The following is an entry in ClinVar:

NM_003737.4(DCHS1):c.2248A>G (p.Arg750Gly)

Gene: DCHS1 (dachsous cadherin-related 1; minus strand). Cytogenetic location: 11p15.4.
Variant type: single nucleotide variant.
Coding change: c.2248A>G on transcript NM_003737.4 (MANE Select); coding-DNA position 2248, A replaced by G.
Protein change: p.Arg750Gly; replaces arginine 750 with glycine.
Molecular consequence: missense variant.
Genome position (GRCh38, 1-based): chr11:6,633,619, T>C on the plus strand (A>G on the coding strand, the complement: DCHS1 is on the minus strand). VCF-style: chr11-6633619-T-C. GRCh37 (hg19) VCF-style: chr11-6654850-T-C.
Other names: short protein forms R750G.
Identifiers: ClinVar variation 2175180 (VCV002175180.4), dbSNP rs771651308, ClinGen allele CA5860765.

ClinVar aggregate classification (germline): Uncertain significance (1 of 4 stars; one submission).

Allele frequency attached by ClinVar (database versions not stated): gnomAD 0.00001; TOPMed 0.00002; gnomAD exomes 0.00003; ExAC 0.00009.
gnomAD v4.1: 17 of 1,599,878 alleles (0.0011%); highest among the groups gnomAD compares: Admixed American, 0.028%; no homozygotes.

Submission:

Labcorp Genetics (formerly Invitae), Labcorp
Classification: Uncertain significance. Last evaluated: 2026-01-22. Review status: criteria provided, single submitter. Criteria: Invitae Variant Classification Sherloc (09022015). Collection method: clinical testing. Allele origin: germline.
Comment: This sequence change replaces arginine, which is basic and polar, with glycine, which is neutral and non-polar, at codon 750 of the DCHS1 protein (p.Arg750Gly). This variant is present in population databases (rs771651308, gnomAD 0.04%). This variant has not been reported in the literature in individuals affected with DCHS1-related conditions. ClinVar contains an entry for this variant (Variation ID: 2175180). Invitae Evidence Modeling of protein sequence and biophysical properties (such as structural, functional, and spatial information, amino acid conservation, physicochemical variation, residue mobility, and thermodynamic stability) indicates that this missense variant is not expected to disrupt DCHS1 protein function with a negative predictive value of 80%. In summary, the available evidence is currently insufficient to determine the role of this variant in disease. Therefore, it has been classified as a Variant of Uncertain Significance.